The following is an entry in ClinVar:

ClinVar aggregate classification (germline): Benign. Review status: criteria provided, multiple submitters, no conflicts (2 of 4 stars). 5 submissions from 5 submitters: Benign (5). Last evaluated 2026-02-01.

Conditions:
Familial X-linked hypophosphatemic vitamin D refractory rickets (XLHRD). Also called: Hypophosphatemic Rickets, X-Linked Dominant; X-Linked Hypophosphatemia; HYPOPHOSPHATEMIC VITAMIN D-RESISTANT RICKETS; Hypophosphatemia, vitamin D-resistant rickets; Vitamin D-resistant rickets, X-linked. Identifiers: Orphanet 89936, MedGen C0733682, MONDO:0010619, OMIM 307800.

Allele frequency attached by ClinVar (database versions not stated): gnomAD exomes 0.00876 and 0.02575; ExAC 0.03245; gnomAD 0.08710 and 0.09259; 1000 Genomes Project 0.10146; TOPMed 0.10227; 1000 Genomes Project 30x 0.10780; ESP Exome Variant Server 0.10887.
gnomAD v4.1: 19,309 of 1,152,956 alleles (1.7%); highest among the groups gnomAD compares: African/African-American, 30%; 1,984 homozygotes.

Submissions (8):

Labcorp Genetics (formerly Invitae), Labcorp
Classification: Benign. Last evaluated: 2026-02-01. Review status: criteria provided, single submitter. Criteria: Invitae Variant Classification Sherloc (09022015). Collection method: clinical testing. Allele origin: germline.

Blueprint Genetics
Classification: Benign. Last evaluated: 2024-11-28. Review status: criteria provided, single submitter. Criteria: ACMG Guidelines, 2015. Collection method: clinical testing. Allele origin: germline.

Illumina Laboratory Services, Illumina
Classification: Benign for Familial X-linked hypophosphatemic vitamin D refractory rickets. Last evaluated: 2018-01-13. Review status: criteria provided, single submitter. Criteria: ICSL Variant Classification Criteria 13 December 2019. Collection method: clinical testing. Allele origin: germline.
Comment: This variant was observed in the ICSL laboratory as part of a predisposition screen in an ostensibly healthy population. It had not been previously curated by ICSL or reported in the Human Gene Mutation Database (HGMD: prior to June 1st, 2018), and was therefore a candidate for classification through an automated scoring system. Utilizing variant allele frequency, disease prevalence and penetrance estimates, and inheritance mode, an automated score was calculated to assess if this variant is too frequent to cause the disease. Based on the score and internal cut-off values, a variant classified as benign is not then subjected to further curation. The score for this variant resulted in a classification of benign for this disease.

GeneDx
Classification: Benign. Last evaluated: 2015-03-03. Review status: criteria provided, single submitter. Criteria: GeneDx Variant Classification Process June 2021. Collection method: clinical testing. Allele origin: germline. Affected: yes.

Breakthrough Genomics
Classification: Benign. Review status: criteria provided, single submitter. Criteria: ACMG Guidelines, 2015. Collection method: not provided. Allele origin: germline. Inheritance: X-linked inheritance. Affected: yes.

Dr. Peter K. Rogan Lab, Western University
No classification provided (evidence only). Condition: Lung cancer. Review status: no classification provided. Collection method: in vitro. Allele origin: not applicable. Functional consequence: retained intron. Not counted in ClinVar's aggregate classification.

Dr. Peter K. Rogan Lab, Western University
No classification provided (evidence only). Condition: Sarcoma. Review status: no classification provided. Collection method: in vitro. Allele origin: not applicable. Functional consequence: retained intron. Not counted in ClinVar's aggregate classification.

Dr. Peter K. Rogan Lab, Western University
No classification provided (evidence only). Condition: Gastric cancer. Review status: no classification provided. Collection method: in vitro. Allele origin: not applicable. Functional consequence: retained intron. Not counted in ClinVar's aggregate classification.

NM_000444.6(PHEX):c.1966-11T>C

Genes: PHEX (phosphate regulating endopeptidase X-linked; plus strand), PTCHD1-AS (PTCHD1 and PHEX antisense RNA; minus strand). Cytogenetic location: Xp22.11.
Variant type: single nucleotide variant.
Coding change: c.1966-11T>C on transcript NM_000444.6 (MANE Select); 11 bases into the intron before coding-DNA position 1966, T replaced by C.
Molecular consequence: intron variant. On other transcripts: non-coding transcript variant (1).
Genome position (GRCh38, 1-based): chrX:22,227,496, T>C. VCF-style: chrX-22227496-T-C. GRCh37 (hg19) VCF-style: chrX-22245613-T-C.
Other names: c.1966-11T>C (NM_001282754.2).
Identifiers: ClinVar variation 368170 (VCV000368170.17), dbSNP rs12014792, ClinGen allele CA10368415.